The following is an entry in ClinVar:

ClinVar aggregate classification (germline): Uncertain significance (1 of 4 stars; one submission).

Conditions:
Neuroblastoma, susceptibility to, 3. Also called: ALK-Related Neuroblastic Tumor Susceptibility. Identifiers: Orphanet 635, MedGen C2751681, MONDO:0013083, OMIM 613014.

Submission:

Labcorp Genetics (formerly Invitae), Labcorp
Classification: Uncertain significance for Neuroblastoma, susceptibility to, 3. Last evaluated: 2025-08-11. Review status: criteria provided, single submitter. Criteria: Invitae Variant Classification Sherloc (09022015). Collection method: clinical testing. Allele origin: germline.
Comment: This sequence change replaces glutamic acid, which is acidic and polar, with aspartic acid, which is acidic and polar, at codon 119 of the ALK protein (p.Glu119Asp). This variant is not present in population databases (gnomAD no frequency). This variant has not been reported in the literature in individuals affected with ALK-related conditions. ClinVar contains an entry for this variant (Variation ID: 1431170). An algorithm developed to predict the effect of missense changes on protein structure and function (PolyPhen-2) suggests that this variant is likely to be tolerated. In summary, the available evidence is currently insufficient to determine the role of this variant in disease. Therefore, it has been classified as a Variant of Uncertain Significance.

NM_004304.5(ALK):c.357G>C (p.Glu119Asp)

Gene: ALK (ALK receptor tyrosine kinase; minus strand). Cytogenetic location: 2p23.1.
Variant type: single nucleotide variant.
Coding change: c.357G>C on transcript NM_004304.5 (MANE Select); coding-DNA position 357, G replaced by C.
Protein change: p.Glu119Asp; replaces glutamic acid 119 with aspartic acid.
Molecular consequence: missense variant.
Genome position (GRCh38, 1-based): chr2:29,920,303, C>G on the plus strand (G>C on the coding strand, the complement: ALK is on the minus strand). VCF-style: chr2-29920303-C-G. GRCh37 (hg19) VCF-style: chr2-30143169-C-G.
Other names: short protein forms E119D.
Identifiers: ClinVar variation 1431170 (VCV001431170.8), dbSNP rs758250431, ClinGen allele CA346590197.